The following is an entry in ClinVar:

ClinVar aggregate classification (germline): Uncertain significance (1 of 4 stars; one submission).

Allele frequency attached by ClinVar (database versions not stated): gnomAD exomes below 0.00001.
gnomAD v4.1: 1 of 1,614,154 alleles (0.000062%); highest among the groups gnomAD compares: Non-Finnish European, 0.000085%; no homozygotes.

Submission:

Labcorp Genetics (formerly Invitae), Labcorp
Classification: Uncertain significance. Last evaluated: 2025-08-03. Review status: criteria provided, single submitter. Criteria: Invitae Variant Classification Sherloc (09022015). Collection method: clinical testing. Allele origin: germline.
Comment: This sequence change replaces tyrosine, which is neutral and polar, with histidine, which is basic and polar, at codon 236 of the MSH3 protein (p.Tyr236His). This variant is not present in population databases (gnomAD no frequency). This variant has not been reported in the literature in individuals affected with MSH3-related conditions. ClinVar contains an entry for this variant (Variation ID: 1350148). An algorithm developed to predict the effect of missense changes on protein structure and function (PolyPhen-2) suggests that this variant is likely to be disruptive. In summary, the available evidence is currently insufficient to determine the role of this variant in disease. Therefore, it has been classified as a Variant of Uncertain Significance.

NM_002439.5(MSH3):c.706T>C (p.Tyr236His)

Gene: MSH3 (mutS homolog 3; plus strand). Cytogenetic location: 5q14.1.
Variant type: single nucleotide variant.
Coding change: c.706T>C on transcript NM_002439.5 (MANE Select); coding-DNA position 706, T replaced by C.
Protein change: p.Tyr236His; replaces tyrosine 236 with histidine.
Molecular consequence: missense variant.
Genome position (GRCh38, 1-based): chr5:80,670,223, T>C. VCF-style: chr5-80670223-T-C. GRCh37 (hg19) VCF-style: chr5-79966042-T-C.
Other names: short protein forms Y236H.
Identifiers: ClinVar variation 1350148 (VCV001350148.8), dbSNP rs1749674272, ClinGen allele CA360266831.